The following is an entry in ClinVar:

NM_030937.6(CCNL2):c.474-6del

Gene: CCNL2 (cyclin L2; minus strand). Cytogenetic location: 1p36.33.
Variant type: Deletion.
Coding change: c.474-6del on transcript NM_030937.6 (MANE Select); 6 bases into the intron before coding-DNA position 474, one base deleted (T; older notation c.474-6delT).
Molecular consequence: intron variant. On other transcripts: 5 prime UTR variant (1).
Genome position (GRCh38, 1-based): chr1:1,395,520, A deleted on the plus strand (T on the coding strand, the reverse complement: CCNL2 is on the minus strand). VCF-style (leftmost placement, unchanged base first): chr1-1395519-CA-C. GRCh37 (hg19) VCF-style: chr1-1330899-CA-C.
Other names: c.-324del (NM_001350497.2); c.-207-6del (NM_001320155.3); c.-213-6del (NM_001350500.2); c.-917-6del (NM_001320153.3); c.-318-6del (NM_001350498.2); c.-324-6del (NM_001350499.2); c.474-6del (NM_001039577.5).
Identifiers: ClinVar variation 3048068 (VCV003048068.2), dbSNP rs773252880, ClinGen allele CA522196.
Genomic context (GRCh38, chr1:1,395,519, plus strand): 5'-TAATTTGGTTCTTTAAATTAACATAATCTTGATCCAGTAGTAGAGGCACGGGCTTCCTGC[CA>C]GAGAGAGAGCACAGGGTCTGCACCACAGTCAAGCAGAGCAAGGCTTCTGAGATCCCGTCG-3'

ClinVar aggregate classification (germline): Likely benign (0 of 4 stars; one submission).

Conditions:
CCNL2-related disorder. Also called: CCNL2-related condition.

Allele frequency attached by ClinVar (database versions not stated): TOPMed below 0.00001; ExAC 0.00001; gnomAD 0.00001; gnomAD exomes 0.00001.

Submission:

PreventionGenetics, part of Exact Sciences
Classification: Likely benign for CCNL2-related condition. Last evaluated: 2019-12-09. Review status: no assertion criteria provided. Collection method: clinical testing. Allele origin: germline.
Comment: This variant is classified as likely benign based on ACMG/AMP sequence variant interpretation guidelines (Richards et al. 2015 PMID: 25741868, with internal and published modifications).